The following is an entry in ClinVar:

NM_182961.4(SYNE1):c.22072G>T (p.Ala7358Ser)

Gene: SYNE1 (spectrin repeat containing nuclear envelope protein 1; minus strand). Cytogenetic location: 6q25.2.
Variant type: single nucleotide variant.
Coding change: c.22072G>T on transcript NM_182961.4 (MANE Select); coding-DNA position 22072, G replaced by T.
Protein change: p.Ala7358Ser; replaces alanine 7358 with serine.
Molecular consequence: missense variant.
Genome position (GRCh38, 1-based): chr6:152,218,376, C>A on the plus strand (G>T on the coding strand, the complement: SYNE1 is on the minus strand). VCF-style: chr6-152218376-C-A. GRCh37 (hg19) VCF-style: chr6-152539511-C-A.
Other names: c.21859G>T, p.Ala7287Ser (NM_033071.5); short protein forms A7358S, A7287S.
Identifiers: ClinVar variation 471027 (VCV000471027.39), dbSNP rs145518327, ClinGen allele CA4053963.

ClinVar aggregate classification (germline): Uncertain significance. Review status: criteria provided, multiple submitters, no conflicts (2 of 4 stars). 6 submissions from 6 submitters: Uncertain significance (6). Last evaluated 2024-12-02.

Conditions:
Autosomal recessive ataxia, Beauce type. Also called: Spinocerebellar ataxia, autosomal recessive 8; SYNE1 Deficiency; ATAXIA, RECESSIVE, OF BEAUCE; SYNE1-Related Autosomal Recessive Cerebellar Ataxia. Identifiers: Orphanet 88644, MedGen C1853116, MONDO:0012549, OMIM 610743.
Emery-Dreifuss muscular dystrophy 4, autosomal dominant (EDMD4). Also called: EMERY-DREIFUSS MUSCULAR DYSTROPHY 4 WITH VARIABLE FEATURES. Identifiers: Orphanet 261, MedGen C2751807, MONDO:0013071, OMIM 612998.

Allele frequency attached by ClinVar (database versions not stated): gnomAD exomes 0.00001 and 0.00004; ESP Exome Variant Server 0.00038; 1000 Genomes Project 30x 0.00047; ExAC 0.00006; gnomAD 0.00013 and 0.00014; TOPMed 0.00014; 1000 Genomes Project 0.00020.
gnomAD v4.1: 40 of 1,613,144 alleles (0.0025%); highest among the groups gnomAD compares: African/African-American, 0.048%; no homozygotes.

Submissions (6):

Labcorp Genetics (formerly Invitae), Labcorp
Classification: Uncertain significance for Emery-Dreifuss muscular dystrophy 4, autosomal dominant; Autosomal recessive ataxia, Beauce type. Last evaluated: 2024-12-02. Review status: criteria provided, single submitter. Criteria: Invitae Variant Classification Sherloc (09022015). Collection method: clinical testing. Allele origin: germline.
Comment: This sequence change replaces alanine, which is neutral and non-polar, with serine, which is neutral and polar, at codon 7287 of the SYNE1 protein (p.Ala7287Ser). This variant is present in population databases (rs145518327, gnomAD 0.07%). This variant has not been reported in the literature in individuals affected with SYNE1-related conditions. ClinVar contains an entry for this variant (Variation ID: 471027). An algorithm developed to predict the effect of missense changes on protein structure and function outputs the following: PolyPhen-2: "Benign". The serine amino acid residue is found in multiple mammalian species, which suggests that this missense change does not adversely affect protein function. In summary, the available evidence is currently insufficient to determine the role of this variant in disease. Therefore, it has been classified as a Variant of Uncertain Significance.

Revvity Omics, Revvity
Classification: Uncertain significance. Last evaluated: 2022-09-14. Review status: criteria provided, single submitter. Criteria: ACMG Guidelines, 2015. Collection method: clinical testing. Allele origin: germline.

CeGaT Center for Human Genetics Tuebingen
Classification: Uncertain significance. Last evaluated: 2022-09-01. Review status: criteria provided, single submitter. Criteria: CeGaT Center For Human Genetics Tuebingen Variant Classification Criteria Version 2. Collection method: clinical testing. Allele origin: germline. Affected: yes. Observed: 1 variant allele.
Comment: SYNE1: PM2, BP4

GeneDx
Classification: Uncertain significance. Last evaluated: 2022-05-24. Review status: criteria provided, single submitter. Criteria: GeneDx Variant Classification Process June 2021. Collection method: clinical testing. Allele origin: germline. Affected: yes.
Comment: In silico analysis supports that this missense variant does not alter protein structure/function; Has not been previously published as pathogenic or benign to our knowledge

Eurofins Ntd Llc (ga)
Classification: Uncertain significance. Last evaluated: 2016-12-28. Review status: criteria provided, single submitter. Criteria: EGL Classification Definitions 2015. Collection method: clinical testing. Allele origin: germline. Observed: 1 variant allele, 1 heterozygote.

Breakthrough Genomics
Classification: Uncertain significance. Review status: criteria provided, single submitter. Criteria: ACMG Guidelines, 2015. Collection method: not provided. Allele origin: germline. Inheritance: Autosomal recessive inheritance. Affected: yes.